The following is an entry in ClinVar:

ClinVar aggregate classification (germline): Conflicting classifications of pathogenicity. Review status: criteria provided, conflicting classifications (1 of 4 stars). 8 submissions from 8 submitters: Uncertain significance (4); Likely benign (2). 2 of the submissions do not count toward it. Last evaluated 2026-02-03.

Conditions:
Hereditary cancer-predisposing syndrome. Also called: Tumor predisposition; Hereditary Cancer Syndrome; Neoplastic Syndromes, Hereditary; Hereditary neoplastic syndrome. Identifiers: Orphanet 140162, MedGen C0027672, MeSH D009386, MONDO:0015356.
TSC2-related disorder. Also called: TSC2-Related Disorders; TSC2-related condition.
Autism spectrum disorder. Also called: Autism spectrum disorders. Identifiers: MedGen C1510586, MeSH D000067877, MONDO:0005258.
Isolated focal cortical dysplasia type II (FCORD2). Also called: CORTICAL DYSPLASIA OF TAYLOR; Focal cortical dysplasia type II. Identifiers: Orphanet 268994, MedGen C1846385, MONDO:0011818, OMIM 607341, HP:0032051.
Tuberous sclerosis 2 (TSC2). Identifiers: Orphanet 805, MedGen C1860707, MONDO:0013199, OMIM 613254.
Lymphangiomyomatosis (LAM). Also called: Lymphangioleiomyomatosis; Lymphangioleiomyomatosis, somatic. Identifiers: Orphanet 538, MedGen C0751674, MONDO:0011705, OMIM 606690.
Tuberous sclerosis syndrome (TSC). Also called: Tuberous Sclerosis Complex; Tuberous sclerosis. Identifiers: Orphanet 805, MedGen C0041341, MONDO:0001734.

Allele frequency attached by ClinVar (database versions not stated): gnomAD exomes below 0.00001 and 0.00001; ExAC 0.00001.

Submissions (8):

Labcorp Genetics (formerly Invitae), Labcorp
Classification: Likely benign for Tuberous sclerosis 2. Last evaluated: 2026-02-03. Review status: criteria provided, single submitter. Criteria: Invitae Variant Classification Sherloc (09022015). Collection method: clinical testing. Allele origin: germline.

Color Diagnostics, LLC DBA Color Health
Classification: Uncertain significance for Tuberous sclerosis syndrome. Last evaluated: 2025-06-13. Review status: criteria provided, single submitter. Criteria: ACMG Guidelines, 2015. Collection method: clinical testing. Allele origin: germline.
Comment: This missense variant replaces methionine with threonine at codon 1691 of the TSC2 protein. Computational prediction suggests that this variant may have deleterious impact on protein structure and function. To our knowledge, functional studies have not been reported for this variant. This variant has not been reported in individuals affected with TSC2-related disorders in the literature. This variant has been identified in 1/250268 chromosomes in the general population by the Genome Aggregation Database (gnomAD). The available evidence is insufficient to determine the role of this variant in disease conclusively. Therefore, this variant is classified as a Variant of Uncertain Significance.

GeneDx
Classification: Uncertain significance. Last evaluated: 2024-07-30. Review status: criteria provided, single submitter. Criteria: GeneDx Variant Classification Process June 2021. Collection method: clinical testing. Allele origin: germline. Affected: yes.
Comment: Identified in patients with autism but also in unaffected controls (PMID: 21572417); In silico analysis supports that this missense variant has a deleterious effect on protein structure/function; This variant is associated with the following publications: (PMID: 18466115, 21572417)

Fulgent Genetics
Classification: Uncertain significance for Lymphangiomyomatosis; Isolated focal cortical dysplasia type II; Tuberous sclerosis 2. Last evaluated: 2024-03-27. Review status: criteria provided, single submitter. Criteria: ACMG Guidelines, 2015. Collection method: clinical testing. Allele origin: germline.

All of Us Research Program, National Institutes of Health
Classification: Uncertain significance for Tuberous sclerosis syndrome. Last evaluated: 2023-11-30. Review status: criteria provided, single submitter. Criteria: ACMG Guidelines, 2015. Collection method: clinical testing. Allele origin: germline. Inheritance: Autosomal dominant inheritance. Observed: 2 variant alleles, 2 heterozygotes.
Comment: This study involves interpretation of variants in research participants for the purpose of population health screening. Participant phenotype was not available at the time of variant classification. Additional details can be found in publication PMID: 35346344, PMCID: PMC8962531

Ambry Genetics
Classification: Likely benign for Hereditary cancer-predisposing syndrome. Last evaluated: 2023-09-22. Review status: criteria provided, single submitter. Criteria: Ambry Variant Classification Scheme 2023. Collection method: clinical testing. Allele origin: germline.

PreventionGenetics, part of Exact Sciences
Classification: Uncertain significance for TSC2-related condition. Last evaluated: 2023-11-18. Review status: no assertion criteria provided. Collection method: clinical testing. Allele origin: germline. Not counted in ClinVar's aggregate classification.
Comment: The TSC2 c.5072T>C variant is predicted to result in the amino acid substitution p.Met1691Thr. To our knowledge, this variant has not been reported in the literature. This variant is reported in 0.00089% of alleles in individuals of European (Non-Finnish) descent in gnomAD and has conflicting interpretations of pathogenicity in ClinVar ranging from likely benign to uncertain. At this time, the clinical significance of this variant is uncertain due to the absence of conclusive functional and genetic evidence.

Tuberous sclerosis database (TSC2)
No classification provided. Condition: ASD. Review status: no classification provided. Criteria: Tuberous Sclerosis Database Assertion Criteria 2015. Collection method: curation. Allele origin: germline. Affected: yes. Not counted in ClinVar's aggregate classification.

NM_000548.5(TSC2):c.5072T>C (p.Met1691Thr)

Gene: TSC2 (TSC complex subunit 2; plus strand). Cytogenetic location: 16p13.3.
Variant type: single nucleotide variant.
Coding change: c.5072T>C on transcript NM_000548.5 (MANE Select); coding-DNA position 5072, T replaced by C.
Protein change: p.Met1691Thr; replaces methionine 1691 with threonine.
Molecular consequence: missense variant.
Genome position (GRCh38, 1-based): chr16:2,088,051, T>C. VCF-style: chr16-2088051-T-C. GRCh37 (hg19) VCF-style: chr16-2138052-T-C.
Other names: c.4871T>C, p.Met1624Thr (NM_001077183.3); c.5003T>C, p.Met1668Thr (NM_001114382.3); c.4763T>C, p.Met1588Thr (NM_001318827.2); c.4727T>C, p.Met1576Thr (NM_001318829.2); c.4340T>C, p.Met1447Thr (NM_001318831.2); c.4904T>C, p.Met1635Thr (NM_001318832.2); c.4874T>C, p.Met1625Thr (NM_001363528.2); c.4940T>C, p.Met1647Thr (NM_001370404.1); and 2 more; short protein forms M1691T, M1668T, M1576T, M1588T, M1624T, M1635T, M1447T, M1625T.
Identifiers: ClinVar variation 65146 (VCV000065146.18), dbSNP rs397515110, ClinGen allele CA021670.